The following is an entry in ClinVar:

NM_001009944.3(PKD1):c.11621del (p.Pro3874fs)

Genes: PKD1 (polycystin 1, transient receptor potential channel interacting; minus strand), PKD1-AS1 (PKD1 antisense RNA 1; plus strand). Cytogenetic location: 16p13.3.
Variant type: Deletion.
Coding change: c.11621del on transcript NM_001009944.3 (MANE Select); coding-DNA position 11621, one base deleted (C; older notation c.11621delC).
Protein change: p.Pro3874fs; shifts the reading frame from proline 3874.
Molecular consequence: frameshift variant. On other transcripts: non-coding transcript variant (1).
Genome position (GRCh38, 1-based): chr16:2,091,514, G deleted on the plus strand (C on the coding strand, the reverse complement: PKD1 is on the minus strand); the first of 3 consecutive G bases (chr16:2,091,514-2,091,516); deleting any one gives the same sequence. VCF-style (leftmost placement, unchanged base first): chr16-2091513-CG-C. GRCh37 (hg19) VCF-style: chr16-2141514-CG-C.
Other names: c.11618del, p.Pro3873fs (NM_000296.4); short protein forms P3873fs, P3874fs.
Identifiers: ClinVar variation 1691177 (VCV001691177.3), dbSNP rs2151695543, ClinGen allele CA2573151950.

ClinVar aggregate classification (germline): Pathogenic (1 of 4 stars; one submission).

Submission:

GeneDx
Classification: Pathogenic. Last evaluated: 2024-12-10. Review status: criteria provided, single submitter. Criteria: GeneDx Variant Classification Process June 2021. Collection method: clinical testing. Allele origin: germline. Affected: yes.
Comment: Frameshift variant predicted to result in protein truncation or nonsense mediated decay in a gene for which loss-of-function is a known mechanism of disease; Not observed at significant frequency in large population cohorts (gnomAD); This variant is associated with the following publications: (PMID: 17582161)